The following is an entry in ClinVar:

NM_000091.5(COL4A3):c.1016G>A (p.Gly339Glu)

Genes: MFF-DT (MFF divergent transcript; minus strand), COL4A3 (collagen type IV alpha 3 chain; plus strand). Cytogenetic location: 2q36.3.
Variant type: single nucleotide variant.
Coding change: c.1016G>A on transcript NM_000091.5 (MANE Select); coding-DNA position 1016, G replaced by A.
Protein change: p.Gly339Glu; replaces glycine 339 with glutamic acid.
Molecular consequence: missense variant.
Genome position (GRCh38, 1-based): chr2:227,257,631, G>A. VCF-style: chr2-227257631-G-A. GRCh37 (hg19) VCF-style: chr2-228122347-G-A.
Other names: short protein forms G339E.
Identifiers: ClinVar variation 4526541 (VCV004526541.1).
Genomic context (GRCh38, chr2:227,257,631, plus strand): 5'-TATTCACAATTTGTAAATGTCTTTCACTGTAGGGACAGAAAGGGGACATTGGCCCTCCAG[G>A]ATTTCGTGGTCCAGTAAGTGTGATTAAAGACAATATCAATGCTATGTTTGATCAAGTTCT-3'
Protein context (NP_000082.2, residues 329-349): KGQKGDIGPP[Gly339Glu]FRGPTEYYDT

ClinVar aggregate classification (germline): Likely pathogenic (1 of 4 stars; one submission).

Conditions:
Autosomal dominant Alport syndrome (ATS3A). Also called: Alport syndrome dominant type; Renal failure and sensorineural hearing loss; ALPORT SYNDROME 3A, AUTOSOMAL DOMINANT. Identifiers: Orphanet 63, Orphanet 88918, MedGen C5882663, MONDO:0007086, OMIM 104200.

Submission:

MVZ Medizinische Genetik Mainz
Classification: Likely pathogenic for Autosomal dominant Alport syndrome. Last evaluated: 2025-09-04. Review status: criteria provided, single submitter. Criteria: UK Practice Guidelines For Variant Classification V4 01 2020. Collection method: clinical testing. Allele origin: germline. Inheritance: Autosomal dominant inheritance. Affected: yes. Observed: 1 variant allele.
Comment: ACMG Criteria: PM1_STR,PM2_SUP,PP3,PP4